The following is an entry in ClinVar:

ClinVar aggregate classification (germline): Uncertain significance (1 of 4 stars; one submission).

Conditions:
Hereditary cancer-predisposing syndrome. Also called: Neoplastic Syndromes, Hereditary; Tumor predisposition; Hereditary neoplastic syndrome; Hereditary Cancer Syndrome. Identifiers: Orphanet 140162, MedGen C0027672, MeSH D009386, MONDO:0015356.

Submission:

Ambry Genetics
Classification: Uncertain significance for Hereditary cancer-predisposing syndrome. Last evaluated: 2026-09-14. Review status: criteria provided, single submitter. Criteria: Ambry Variant Classification Scheme 2023. Collection method: clinical testing. Allele origin: germline.
Comment: The p.A1124V variant (also known as c.3371C>T), located in coding exon 28 of the TSC2 gene, results from a C to T substitution at nucleotide position 3371. The alanine at codon 1124 is replaced by valine, an amino acid with similar properties. This amino acid position is conserved. In addition, the in silico prediction for this alteration is inconclusive. Based on the available evidence, the clinical significance of this variant remains unclear.

NM_000548.5(TSC2):c.3371C>T (p.Ala1124Val)

Gene: TSC2 (TSC complex subunit 2; plus strand). Cytogenetic location: 16p13.3.
Variant type: single nucleotide variant.
Coding change: c.3371C>T on transcript NM_000548.5 (MANE Select); coding-DNA position 3371, C replaced by T.
Protein change: p.Ala1124Val; replaces alanine 1124 with valine.
Molecular consequence: missense variant. On other transcripts: non-coding transcript variant (5).
Genome position (GRCh38, 1-based): chr16:2,079,643, C>T. VCF-style: chr16-2079643-C-T. GRCh37 (hg19) VCF-style: chr16-2129644-C-T.
Other names: c.3239C>T, p.Ala1080Val (NM_001077183.3, NM_001370404.1, NM_001406665.1); c.3371C>T, p.Ala1124Val (NM_001114382.3); c.3131C>T, p.Ala1044Val (NM_001318827.2); c.3095C>T, p.Ala1032Val (NM_001318829.2); c.2639C>T, p.Ala880Val (NM_001318831.2, NM_001406687.1, NM_001406688.1); c.3272C>T, p.Ala1091Val (NM_001318832.2); c.3242C>T, p.Ala1081Val (NM_001363528.2, NM_001370405.1, NM_021055.3); c.3368C>T, p.Ala1123Val (NM_001406663.1, NM_001406664.1); and 18 more; short protein forms A1031V, A1044V, A1061V, A1074V, A1080V, A1081V, A1087V, A923V.
Identifiers: ClinVar variation 5031416 (VCV005031416.1).